The following is an entry in ClinVar:

NM_004782.4(SNAP29):c.*3246A>G

Gene: SNAP29 (synaptosome associated protein 29; plus strand). Cytogenetic location: 22q11.21.
Variant type: single nucleotide variant.
Coding change: c.*3246A>G on transcript NM_004782.4 (MANE Select); 3246 bases downstream of the stop codon, A replaced by G.
Molecular consequence: 3 prime UTR variant.
Genome position (GRCh38, 1-based): chr22:20,891,082, A>G. VCF-style: chr22-20891082-A-G. GRCh37 (hg19) VCF-style: chr22-21245370-A-G.
Identifiers: ClinVar variation 899376 (VCV000899376.4), dbSNP rs149152565, ClinGen allele CA322279164.
Genomic context (GRCh38, chr22:20,891,082, plus strand): 5'-CCAAGGCGACAGAGCAAGACTCTGTCTCAAAAAATAAAAAATAGTGCACTGTCCTTCGAG[A>G]AAGTTTTCTAACATCTAGTAATTTGTAACTTAGAAGTGGAGTTGCCTTGTGGATGTCTTT-3'

ClinVar aggregate classification (germline): Likely benign (1 of 4 stars; one submission).

Conditions:
CEDNIK syndrome. Also called: CEREBRAL DYSGENESIS, NEUROPATHY, ICHTHYOSIS, AND PALMOPLANTAR KERATODERMA SYNDROME; Cerebral dysgenesis, neuropathy, ichthyosis, and palmoplantar keratoderma. Identifiers: Orphanet 66631, MedGen C1836033, MONDO:0012290, OMIM 609528.

Allele frequency attached by ClinVar (database versions not stated): gnomAD 0.00032 and 0.00050; TOPMed 0.00051; 1000 Genomes Project 30x 0.00297; 1000 Genomes Project 0.00300.

Submission:

Illumina Laboratory Services, Illumina
Classification: Likely benign for CEDNIK syndrome. Last evaluated: 2018-01-13. Review status: criteria provided, single submitter. Criteria: ICSL Variant Classification Criteria 13 December 2019. Collection method: clinical testing. Allele origin: germline.
Comment: This variant was observed in the ICSL laboratory as part of a predisposition screen in an ostensibly healthy population. It had not been previously curated by ICSL or reported in the Human Gene Mutation Database (HGMD: prior to June 1st, 2018), and was therefore a candidate for classification through an automated scoring system. Utilizing variant allele frequency, disease prevalence and penetrance estimates, and inheritance mode, an automated score was calculated to assess if this variant is too frequent to cause the disease. Based on the score and internal cut-off values, a variant classified as likely benign is not then subjected to further curation. The score for this variant resulted in a classification of likely benign for this disease.